The following is an entry in ClinVar:

ClinVar aggregate classification (germline): Uncertain significance (1 of 4 stars; one submission).

Conditions:
Baller-Gerold syndrome (BGS). Also called: CRANIOSYNOSTOSIS WITH RADIAL DEFECTS. Identifiers: Orphanet 1225, MedGen C0265308, MONDO:0009039, OMIM 218600.

Submission:

Labcorp Genetics (formerly Invitae), Labcorp
Classification: Uncertain significance for Baller-Gerold syndrome. Last evaluated: 2020-12-23. Review status: criteria provided, single submitter. Criteria: Invitae Variant Classification Sherloc (09022015). Collection method: clinical testing. Allele origin: germline.
Comment: This sequence change replaces glutamic acid with alanine at codon 630 of the RECQL4 protein (p.Glu630Ala). The glutamic acid residue is highly conserved and there is a moderate physicochemical difference between glutamic acid and alanine. The frequency data for this variant in the population databases is not available, as this variant may be reported as separate entries in the ExAC database. This variant has not been reported in the literature in individuals with RECQL4-related conditions. Experimental studies and prediction algorithms are not available or were not evaluated, and the functional significance of this variant is currently unknown. In summary, the available evidence is currently insufficient to determine the role of this variant in disease. Therefore, it has been classified as a Variant of Uncertain Significance.

NM_004260.4(RECQL4):c.1889_1890delinsCA (p.Glu630Ala)

Gene: RECQL4 (RecQ like helicase 4; minus strand). Cytogenetic location: 8q24.3.
Variant type: Indel.
Coding change: c.1889_1890delinsCA on transcript NM_004260.4 (MANE Select); coding-DNA positions 1889 to 1890, AG replaced by CA.
Protein change: p.Glu630Ala; replaces glutamic acid 630 with alanine.
Molecular consequence: missense variant.
Genome position (GRCh38, 1-based): chr8:144,514,096-144,514,097, CT replaced by TG on the plus strand (AG replaced by CA on the coding strand, the reverse complement: RECQL4 is on the minus strand). VCF-style: chr8-144514096-CT-TG. GRCh37 (hg19) VCF-style: chr8-145739480-CT-TG.
Other names: short protein forms E630A.
Identifiers: ClinVar variation 1359388 (VCV001359388.6), dbSNP rs2130692809, ClinGen allele CA2573143085.